The following is an entry in ClinVar:

NM_016938.5(EFEMP2):c.626T>C (p.Met209Thr)

Gene: EFEMP2 (EGF-like fibulin extracellular matrix protein 2; minus strand). Cytogenetic location: 11q13.1.
Variant type: single nucleotide variant.
Coding change: c.626T>C on transcript NM_016938.5 (MANE Select); coding-DNA position 626, T replaced by C.
Protein change: p.Met209Thr; replaces methionine 209 with threonine.
Molecular consequence: missense variant. On other transcripts: non-coding transcript variant (1).
Genome position (GRCh38, 1-based): chr11:65,869,958, A>G on the plus strand (T>C on the coding strand, the complement: EFEMP2 is on the minus strand). VCF-style: chr11-65869958-A-G. GRCh37 (hg19) VCF-style: chr11-65637429-A-G.
Other names: c.626T>C (NM_016938.4); short protein forms M209T.
Identifiers: ClinVar variation 1521585 (VCV001521585.8), dbSNP rs778873365, ClinGen allele CA6110575.

ClinVar aggregate classification (germline): Uncertain significance. Review status: criteria provided, multiple submitters, no conflicts (2 of 4 stars). 3 submissions from 3 submitters: Uncertain significance (3). Last evaluated 2026-05-14.

Conditions:
Cardiovascular phenotype. Identifiers: MedGen CN230736.
Cutis laxa, autosomal recessive, type 1B (ARCL1B). Also called: CUTIS LAXA, AUTOSOMAL RECESSIVE, TYPE IB; EFEMP2-Related Cutis Laxa. Identifiers: Orphanet 90349, MedGen C3280798, MONDO:0013754, OMIM 614437. Disease mechanism: loss of function.

Allele frequency attached by ClinVar (database versions not stated): TOPMed 0.00002; ExAC 0.00001; gnomAD exomes 0.00001 and 0.00002.
gnomAD v4.1: 9 of 1,613,930 alleles (0.00056%); highest among the groups gnomAD compares: Admixed American, 0.012%; no homozygotes.

Submissions (3):

Ambry Genetics
Classification: Uncertain significance for Cardiovascular phenotype. Last evaluated: 2026-05-14. Review status: criteria provided, single submitter. Criteria: Ambry Variant Classification Scheme 2023. Collection method: clinical testing. Allele origin: germline.
Comment: The p.M209T variant (also known as c.626T>C), located in coding exon 6 of the EFEMP2 gene, results from a T to C substitution at nucleotide position 626. The methionine at codon 209 is replaced by threonine, an amino acid with similar properties. This amino acid position is conserved. In addition, the in silico prediction for this alteration is inconclusive. Based on the available evidence, the clinical significance of this variant remains unclear.

ARUP Laboratories, Molecular Genetics and Genomics, ARUP Laboratories
Classification: Uncertain significance for Cutis laxa, autosomal recessive, type 1B. Last evaluated: 2025-04-07. Review status: criteria provided, single submitter. Criteria: ARUP Molecular Germline Variant Investigation Process 2024. Collection method: clinical testing. Allele origin: germline.
Comment: The EFEMP2 c.626T>C; p.Met209Thr variant (rs778873365), to our knowledge, is not reported in the medical literature but is reported in ClinVar (Variation ID: 1521585). This variant is only observed on six alleles in the Genome Aggregation Database (v2.1.1), indicating it is not a common polymorphism. Computational analyses are uncertain whether this variant is neutral or deleterious (REVEL: 0.542). Due to limited information, the clinical significance of this variant is uncertain at this time.

Labcorp Genetics (formerly Invitae), Labcorp
Classification: Uncertain significance for Cutis laxa, autosomal recessive, type 1B. Last evaluated: 2021-08-27. Review status: criteria provided, single submitter. Criteria: Invitae Variant Classification Sherloc (09022015). Collection method: clinical testing. Allele origin: germline.
Comment: This sequence change replaces methionine with threonine at codon 209 of the EFEMP2 protein (p.Met209Thr). The methionine residue is highly conserved and there is a moderate physicochemical difference between methionine and threonine. This variant is present in population databases (rs778873365, ExAC 0.009%). This variant has not been reported in the literature in individuals affected with EFEMP2-related conditions. Algorithms developed to predict the effect of missense changes on protein structure and function are either unavailable or do not agree on the potential impact of this missense change (SIFT: "Deleterious"; PolyPhen-2: "Benign"; Align-GVGD: "Class C65"). In summary, the available evidence is currently insufficient to determine the role of this variant in disease. Therefore, it has been classified as a Variant of Uncertain Significance.